The following is an entry in ClinVar:

NM_001161.5(NUDT2):c.372G>C (p.Gln124His)

Gene: NUDT2 (nudix hydrolase 2; plus strand). Cytogenetic location: 9p13.3.
Variant type: single nucleotide variant.
Coding change: c.372G>C on transcript NM_001161.5 (MANE Select); coding-DNA position 372, G replaced by C.
Protein change: p.Gln124His; replaces glutamine 124 with histidine.
Molecular consequence: missense variant.
Genome position (GRCh38, 1-based): chr9:34,343,368, G>C. VCF-style: chr9-34343368-G-C. GRCh37 (hg19) VCF-style: chr9-34343366-G-C.
Other names: c.372G>C, p.Gln124His (NM_001244390.2, NM_147172.3, NM_147173.3); short protein forms Q124H.
Identifiers: ClinVar variation 3341560 (VCV003341560.16).

ClinVar aggregate classification (germline): Likely benign (1 of 4 stars; one submission).

gnomAD v4.1: 562 of 1,614,098 alleles (0.035%); highest among the groups gnomAD compares: Admixed American, 0.095%; no homozygotes.

Submission:

CeGaT Center for Human Genetics Tuebingen
Classification: Likely benign. Last evaluated: 2025-03-01. Review status: criteria provided, single submitter. Criteria: CeGaT Center For Human Genetics Tuebingen Variant Classification Criteria Version 2. Collection method: clinical testing. Allele origin: germline. Affected: yes. Observed: 2 variant alleles.
Comment: NUDT2: BP4